The following is an entry in ClinVar:

ClinVar aggregate classification (germline): Benign. Review status: criteria provided, multiple submitters, no conflicts (2 of 4 stars). 3 submissions from 3 submitters: Benign (2). 1 of the submissions does not count toward it. Last evaluated 2018-05-08.

Conditions:
DCDC5-related condition.

Allele frequency attached by ClinVar (database versions not stated): gnomAD exomes 0.00109 and 0.00257; ExAC 0.00309; ESP Exome Variant Server 0.00914; 1000 Genomes Project 0.00998; gnomAD 0.01045 and 0.01142; 1000 Genomes Project 30x 0.01077; TOPMed 0.01115.
gnomAD v4.1: 3,254 of 1,613,262 alleles (0.2%); highest among the groups gnomAD compares: African/African-American, 3.6%; 66 homozygotes.

Submissions (3):

Labcorp Genetics (formerly Invitae), Labcorp
Classification: Benign. Last evaluated: 2018-05-08. Review status: criteria provided, single submitter. Criteria: Invitae Variant Classification Sherloc (09022015). Collection method: clinical testing. Allele origin: germline.

Breakthrough Genomics
Classification: Benign. Review status: criteria provided, single submitter. Criteria: ACMG Guidelines, 2015. Collection method: not provided. Allele origin: germline. Inheritance: Unknown mechanism. Affected: yes.

PreventionGenetics, part of Exact Sciences
Classification: Benign for DCDC5-related condition. Last evaluated: 2019-05-28. Review status: no assertion criteria provided. Collection method: clinical testing. Allele origin: germline. Not counted in ClinVar's aggregate classification.
Comment: This variant is classified as benign based on ACMG/AMP sequence variant interpretation guidelines (Richards et al. 2015 PMID: 25741868, with internal and published modifications).

NM_001387274.1(DCDC1):c.5101T>C (p.Ser1701Pro)

Gene: DCDC1 (doublecortin domain containing 1; minus strand). Cytogenetic location: 11p14.1.
Variant type: single nucleotide variant.
Coding change: c.5101T>C on transcript NM_001387274.1 (MANE Select); coding-DNA position 5101, T replaced by C.
Protein change: p.Ser1701Pro; replaces serine 1701 with proline.
Molecular consequence: missense variant.
Genome position (GRCh38, 1-based): chr11:30,881,290, A>G on the plus strand (T>C on the coding strand, the complement: DCDC1 is on the minus strand). VCF-style: chr11-30881290-A-G. GRCh37 (hg19) VCF-style: chr11-30902837-A-G.
Other names: c.5092T>C, p.Ser1698Pro (NM_001367979.1); c.1846T>C, p.Ser616Pro (NM_001387275.1); c.2413T>C, p.Ser805Pro (NM_020869.4); short protein forms S1698P, S805P, S1701P, S616P.
Identifiers: ClinVar variation 718774 (VCV000718774.5), dbSNP rs55719241, ClinGen allele CA5931318.
Genomic context (GRCh38, chr11:30,881,290, plus strand): 5'-GAATTGGCTCTCCACTGGGGGTGTACAGTGCTCTAGCTGGGTGGGTCATTTTGAGACGAG[A>G]GGAGCAGTCTTGCAGCAGCTGAGACACAGAGGGACAGCCACATTTGAATACGGAATGGCA-3'
Protein context (NP_001374203.1, residues 1691-1711): TISELLQDCS[Ser1701Pro]RLKMTHPARA